The following is an entry in ClinVar:

NM_000179.3(MSH6):c.2805_2807delinsCC (p.Asp936fs)

Gene: MSH6 (mutS homolog 6; plus strand). Cytogenetic location: 2p16.3.
Variant type: Indel.
Coding change: c.2805_2807delinsCC on transcript NM_000179.3 (MANE Select); coding-DNA positions 2805 to 2807, TGA replaced by CC.
Protein change: p.Asp936fs; shifts the reading frame from aspartic acid 936.
Molecular consequence: frameshift variant.
Genome position (GRCh38, 1-based): chr2:47,800,788-47,800,790, TGA replaced by CC. VCF-style: chr2-47800788-TGA-CC. GRCh37 (hg19) VCF-style: chr2-48027927-TGA-CC.
Other names: c.2415_2417delinsCC, p.Asp806fs (NM_001281492.2); c.1899_1901delinsCC, p.Asp634fs (NM_001281493.2, NM_001281494.2); c.2901_2903delTGAinsCC, p.Asp968Leufs (NM_001406795.1, NM_001406802.1); c.2805_2807delTGAinsCC, p.Asp936Leufs (NM_001406796.1, NM_001406798.1, NM_001406800.1 and 2 more transcripts); c.2508_2510delTGAinsCC, p.Asp837Leufs (NM_001406797.1, NM_001406801.1, NM_001406805.1 and 10 more transcripts); c.2280_2282delTGAinsCC, p.Asp761Leufs (NM_001406799.1, NM_001406806.1, NM_001406807.1); c.2727_2729delTGAinsCC, p.Asp910Leufs (NM_001406804.1); c.1899_1901delTGAinsCC, p.Asp634Leufs (NM_001406811.1, NM_001406812.1, NM_001406814.1 and 4 more transcripts); and 3 more; short protein forms D936fs, D634fs, D806fs.
Identifiers: ClinVar variation 1796253 (VCV001796253.2), dbSNP rs2530694503, ClinGen allele CA2580068072.

ClinVar aggregate classification (germline): Pathogenic. Review status: criteria provided, multiple submitters, no conflicts (2 of 4 stars). 2 submissions from 2 submitters: Pathogenic (2). Last evaluated 2024-02-29.

Conditions:
Hereditary cancer-predisposing syndrome. Also called: Tumor predisposition; Hereditary Cancer Syndrome; Neoplastic Syndromes, Hereditary; Hereditary neoplastic syndrome. Identifiers: Orphanet 140162, MedGen C0027672, MeSH D009386, MONDO:0015356.
Lynch syndrome 5 (LYNCH5). Also called: Colorectal cancer, hereditary nonpolyposis, type 5; Hereditary non-polyposis colorectal cancer, type 5. Identifiers: Orphanet 144, MedGen C1833477, MONDO:0013710, OMIM 614350. Disease mechanism: loss of function.

Submissions (2):

Myriad Genetics, Inc.
Classification: Pathogenic for Lynch syndrome 5. Last evaluated: 2024-02-29. Review status: criteria provided, single submitter. Criteria: Myriad Autosomal Dominant, Autosomal Recessive and X-Linked Classification Criteria (2023). Collection method: clinical testing. Allele origin: unknown.
Comment: This variant is considered pathogenic. This variant creates a frameshift predicted to result in premature protein truncation.

Ambry Genetics
Classification: Pathogenic for Hereditary cancer-predisposing syndrome. Last evaluated: 2019-04-18. Review status: criteria provided, single submitter. Criteria: Ambry Variant Classification Scheme 2023. Collection method: clinical testing. Allele origin: germline.
Comment: The c.2805_2807delTGAinsCC pathogenic mutation, located in coding exon 4 of the MSH6 gene, results from the deletion of 3 nucleotides and insertion of two nucleotides causing a translational frameshift with a predicted alternate stop codon (p.D936Lfs*9). This alteration is expected to result in loss of function by premature protein truncation or nonsense-mediated mRNA decay. As such, this alteration is interpreted as a disease-causing mutation.